The following is an entry in ClinVar:

NM_003738.5(PTCH2):c.1031G>T (p.Ser344Ile)

Gene: PTCH2 (patched 2; minus strand). Cytogenetic location: 1p34.1.
Variant type: single nucleotide variant.
Coding change: c.1031G>T on transcript NM_003738.5 (MANE Select); coding-DNA position 1031, G replaced by T.
Protein change: p.Ser344Ile; replaces serine 344 with isoleucine.
Molecular consequence: missense variant.
Genome position (GRCh38, 1-based): chr1:44,829,666, C>A on the plus strand (G>T on the coding strand, the complement: PTCH2 is on the minus strand). VCF-style: chr1-44829666-C-A. GRCh37 (hg19) VCF-style: chr1-45295338-C-A.
Other names: c.1031G>T, p.Ser344Ile (NM_001166292.2); c.1031G>T (NM_003738.4); short protein forms S344I.
Identifiers: ClinVar variation 2575384 (VCV002575384.4), dbSNP rs373737063, ClinGen allele CA21747587.

ClinVar aggregate classification (germline): Uncertain significance. Review status: criteria provided, single submitter (1 of 4 stars). 2 submissions from 2 submitters: Uncertain significance (1). 1 of the submissions does not count toward it. Last evaluated 2025-03-04.

Conditions:
PTCH2-related disorder. Also called: PTCH2-related disease; PTCH2-related condition.

Allele frequency attached by ClinVar (database versions not stated): gnomAD 0.00002; gnomAD exomes 0.00003; TOPMed 0.00005; ESP Exome Variant Server 0.00008.
gnomAD v4.1: 42 of 1,614,102 alleles (0.0026%); highest among the groups gnomAD compares: Non-Finnish European, 0.0034%; no homozygotes.

Submissions (2):

Center for Genomic Medicine, Rigshospitalet, Copenhagen University Hospital
Classification: Uncertain significance. Last evaluated: 2025-03-04. Review status: criteria provided, single submitter. Criteria: ACMG Guidelines, 2015. Collection method: clinical testing. Allele origin: germline.

PreventionGenetics, part of Exact Sciences
Classification: Uncertain significance for PTCH2-related condition. Last evaluated: 2024-05-16. Review status: no assertion criteria provided. Collection method: clinical testing. Allele origin: germline. Not counted in ClinVar's aggregate classification.
Comment: The PTCH2 c.1031G>T variant is predicted to result in the amino acid substitution p.Ser344Ile. To our knowledge, this variant has not been reported in the literature. This variant is reported in 0.00088% of alleles in individuals of European (Non-Finnish) descent in gnomAD. At this time, the clinical significance of this variant is uncertain due to the absence of conclusive functional and genetic evidence.